The following is an entry in ClinVar:

NM_005573.4(LMNB1):c.939+1G>A

Gene: LMNB1 (lamin B1; plus strand). Cytogenetic location: 5q23.2.
Variant type: single nucleotide variant.
Coding change: c.939+1G>A on transcript NM_005573.4 (MANE Select); the canonical splice donor site of the intron after coding-DNA position 939, G replaced by A.
Molecular consequence: splice donor variant.
Genome position (GRCh38, 1-based): chr5:126,811,899, G>A. VCF-style: chr5-126811899-G-A. GRCh37 (hg19) VCF-style: chr5-126147591-G-A.
Other names: IVS5DS, G-A, +1; c.309+1G>A (NM_001198557.2).
Identifiers: ClinVar variation 915457 (VCV000915457.3), dbSNP rs1751587092, ClinGen allele CA360723520.

ClinVar aggregate classification (germline): Pathogenic. Review status: criteria provided, single submitter (1 of 4 stars). 3 submissions from 3 submitters: Pathogenic (1). 2 of the submissions do not count toward it. Last evaluated 2021-09-07.

Conditions:
Microcephaly 26, primary, autosomal dominant. Identifiers: MedGen C5543048, MONDO:0030928, OMIM 619179.
Syndrome with microcephaly as major feature. Identifiers: Orphanet 269528, MedGen C5680774, MONDO:0017119.
Inborn genetic diseases. Identifiers: MedGen C0950123, MeSH D030342.

Submissions (3):

Ambry Genetics
Classification: Pathogenic for Inborn genetic diseases. Last evaluated: 2021-09-07. Review status: criteria provided, single submitter. Criteria: Ambry Variant Classification Scheme 2023. Collection method: clinical testing. Allele origin: germline.
Comment: The c.939+1G>A intronic alteration consists of a G to A substitution one nucleotide after exon 5 (coding exon 5) of the LMNB1 gene. Alterations that disrupt the canonical splice site are expected to cause aberrant splicing, resulting in an abnormal protein or a transcript that is subject to nonsense-mediated mRNA decay. However, loss of function of LMNB1 has not been clearly established as a mechanism of disease. This variant was not reported in population-based cohorts in the Genome Aggregation Database (gnomAD). This alteration was reported in three affected siblings with significant developmental delay, microcephaly, short stature, seizures, hypotonia, and scoliosis (Cristofoli, 2020). Two of the three sibs also had feeding difficulties, gingival hypertrophy, simplified gyral pattern on brain MRI, cortical visual impairment, spastic tetraparesis, and recurrent pneumonia at the time of assessment. The unaffected father was mosaic for this alteration. In silico splice site analysis predicts that this alteration will weaken the native splice donor site and may result in the creation or strengthening of a novel splice donor site. Based on the available evidence, this alteration is classified as pathogenic.

OMIM
Classification: Pathogenic for MICROCEPHALY 26, PRIMARY, AUTOSOMAL DOMINANT. Last evaluated: 2021-02-19. Review status: no assertion criteria provided. Collection method: literature only. Allele origin: germline. Not counted in ClinVar's aggregate classification.

Center for Human Genetics, University of Leuven
Classification: Pathogenic for Syndrome with microcephaly as major feature. Last evaluated: 2020-02-20. Review status: no assertion criteria provided. Collection method: clinical testing. Allele origin: paternal. Inheritance: Autosomal dominant inheritance. Affected: yes. Not counted in ClinVar's aggregate classification.
Comment: We performed segregation analysis, Western blot, and several functional in vitro studies that support a clear pathogenic effect

Literature cited by the submitters: PubMed 32910914 (cited by Ambry Genetics and OMIM).